The following is an entry in ClinVar:

NM_000484.4(APP):c.2138C>T (p.Ala713Val)

Gene: APP (amyloid beta precursor protein; minus strand). Cytogenetic location: 21q21.3.
Variant type: single nucleotide variant.
Coding change: c.2138C>T on transcript NM_000484.4 (MANE Select); coding-DNA position 2138, C replaced by T.
Protein change: p.Ala713Val; replaces alanine 713 with valine.
Molecular consequence: missense variant.
Genome position (GRCh38, 1-based): chr21:25,891,795, G>A on the plus strand (C>T on the coding strand, the complement: APP is on the minus strand). VCF-style: chr21-25891795-G-A. GRCh37 (hg19) VCF-style: chr21-27264107-G-A.
Other names: c.2066C>T, p.Ala689Val (NM_001136016.3); c.1745C>T, p.Ala582Val (NM_001136129.3); c.1970C>T, p.Ala657Val (NM_001136130.3, NM_001385253.1); c.1808C>T, p.Ala603Val (NM_001136131.3); c.2084C>T, p.Ala695Val (NM_001204301.2); c.2027C>T, p.Ala676Val (NM_001204302.2); c.1859C>T, p.Ala620Val (NM_001204303.2); c.2081C>T, p.Ala694Val (NM_201413.3); and 1 more; short protein forms A713V, A689V, A603V, A638V, A676V, A694V, A582V, A620V.
Identifiers: ClinVar variation 98237 (VCV000098237.11), dbSNP rs1800557, ClinGen allele CA225505.

ClinVar aggregate classification (germline): Conflicting classifications of pathogenicity. Review status: criteria provided, conflicting classifications (1 of 4 stars). 4 submissions from 4 submitters: Likely pathogenic (1); Uncertain significance (2). 1 of the submissions does not count toward it. Last evaluated 2025-12-09.

Conditions:
Alzheimer disease. Also called: Alzheimer's disease; Presenile and senile dementia. Identifiers: Orphanet 1020, MedGen C0002395, MeSH D000544, MONDO:0004975, HP:0002511.

Allele frequency attached by ClinVar (database versions not stated): TOPMed 0.00003; gnomAD 0.00004; gnomAD exomes 0.00004 and 0.00005; ExAC 0.00007.
gnomAD v4.1: 85 of 1,613,762 alleles (0.0053%); highest among the groups gnomAD compares: Non-Finnish European, 0.0064%; no homozygotes.

Submissions (4):

Women's Health and Genetics/Laboratory Corporation of America, LabCorp
Classification: Uncertain significance. Last evaluated: 2025-12-09. Review status: criteria provided, single submitter. Criteria: LabCorp Variant Classification Summary - May 2015. Collection method: clinical testing. Allele origin: germline.
Comment: Variant summary: APP c.2138C>T (p.Ala713Val) results in a non-conservative amino acid change in the encoded protein sequence. Algorithms developed to predict the effect of missense changes on protein structure and function all suggest that this variant is likely to be disruptive. The variant allele was found at a frequency of 4e-05 in 251370 control chromosomes. This frequency is not significantly higher than estimated for disease-causing variants in APP, allowing no conclusion about variant significance. c.2138C>T has been observed in individual(s) affected with chronic schizophrenic with cognitive defects and early onset Parkinson disease (Jones_1992, Chen_2022). These report(s) do not provide unequivocal conclusions about association of the variant with Cerebral Amyloid Angiopathy, APP-Related. A different variant affecting the same codon has been classified as likely pathogenic by our lab (c.2137G>A, p.Ala713Thr), supporting the critical relevance of codon 713 to APP protein function. At least one publication reports experimental evidence evaluating an impact on protein function in N2A cells (Hsu_2020). These results showed no damaging effect of this variant. The following publications have been ascertained in the context of this evaluation (PMID: 35861376, 32087291, 1307241). ClinVar contains an entry for this variant (Variation ID: 98237). Based on the evidence outlined above, the variant was classified as uncertain significance.

Labcorp Genetics (formerly Invitae), Labcorp
Classification: Likely pathogenic for Alzheimer disease. Last evaluated: 2025-08-11. Review status: criteria provided, single submitter. Criteria: Invitae Variant Classification Sherloc (09022015). Collection method: clinical testing. Allele origin: germline.
Comment: This sequence change replaces alanine, which is neutral and non-polar, with valine, which is neutral and non-polar, at codon 713 of the APP protein (p.Ala713Val). This variant is present in population databases (rs1800557, gnomAD 0.008%). This missense change has been observed in individual(s) with clinical features of APP-related conditions (PMID: 1307241, 35861376). This variant is also known as A42V. ClinVar contains an entry for this variant (Variation ID: 98237). Invitae Evidence Modeling of protein sequence and biophysical properties (such as structural, functional, and spatial information, amino acid conservation, physicochemical variation, residue mobility, and thermodynamic stability) indicates that this missense variant is expected to disrupt APP protein function with a positive predictive value of 95%. Experimental studies are conflicting or provide insufficient evidence to determine the effect of this variant on APP function (PMID: 32087291). This variant disrupts the p.Ala713 amino acid residue in APP. Other variant(s) that disrupt this residue have been determined to be pathogenic (PMID: 15365148, 15488330, 19363265, 23224319). This suggests that this residue is clinically significant, and that variants that disrupt this residue are likely to be disease-causing. In summary, the currently available evidence indicates that the variant is pathogenic, but additional data are needed to prove that conclusively. Therefore, this variant has been classified as Likely Pathogenic.

Illumina Laboratory Services, Illumina
Classification: Uncertain significance for Alzheimer disease type 1. Last evaluated: 2017-04-27. Review status: criteria provided, single submitter. Criteria: ICSL Variant Classification Criteria 13 December 2019. Collection method: clinical testing. Allele origin: germline.
Comment: This variant was observed as part of a predisposition screen in an ostensibly healthy population. A literature search was performed for the gene, cDNA change, and amino acid change (where applicable). Publications were found based on this search. However, the evidence from the literature, in combination with allele frequency data from public databases where available, was not sufficient to rule this variant in or out of causing disease. Therefore, this variant is classified as a variant of unknown significance.

VIB  Department of Molecular Genetics, University of Antwerp
No classification provided. Review status: no classification provided. Collection method: not provided. Allele origin: not provided. Not counted in ClinVar's aggregate classification.

Literature cited by the submitters: PubMed 35861376 (cited by Women's Health and Genetics/Laboratory Corporation of America, LabCorp and Labcorp Genetics (formerly Invitae), Labcorp); PubMed 32087291 (cited by Women's Health and Genetics/Laboratory Corporation of America, LabCorp and Labcorp Genetics (formerly Invitae), Labcorp); PubMed 1307241 (cited by 3 submitters); PubMed 15365148 (cited by Labcorp Genetics (formerly Invitae), Labcorp and Illumina Laboratory Services, Illumina); PubMed 15488330 (cited by Labcorp Genetics (formerly Invitae), Labcorp); PubMed 19363265 (cited by Labcorp Genetics (formerly Invitae), Labcorp); PubMed 23224319 (cited by Labcorp Genetics (formerly Invitae), Labcorp); PubMed 8291572 (cited by Illumina Laboratory Services, Illumina).